The following is an entry in ClinVar:

NM_007294.4(BRCA1):c.3412G>T (p.Gly1138Ter)

Genes: BRCA1 (BRCA1 DNA repair associated; minus strand), LOC126862571 (BRD4-independent group 4 enhancer GRCh37_chr17:41243136-41244335; plus strand). Cytogenetic location: 17q21.31.
Variant type: single nucleotide variant.
Coding change: c.3412G>T on transcript NM_007294.4 (MANE Select); coding-DNA position 3412, G replaced by T.
Protein change: p.Gly1138Ter; replaces glycine 1138 with a stop codon.
Molecular consequence: nonsense. On other transcripts: intron variant (135).
Genome position (GRCh38, 1-based): chr17:43,092,119, C>A on the plus strand (G>T on the coding strand, the complement: BRCA1 is on the minus strand). VCF-style: chr17-43092119-C-A. GRCh37 (hg19) VCF-style: chr17-41244136-C-A.
Other names: 3531G>T (G1138X); c.575-1087G>T (NM_001408493.1, NM_001408490.1, NM_001408491.1); c.455-1087G>T (NM_001408502.1); c.578-1087G>T (NM_001408489.1, NM_001408479.1, NM_001408482.1 and 9 more transcripts); c.662-1087G>T (NM_001408445.1, NM_001408432.1, NM_001408450.1 and 6 more transcripts); c.668-1087G>T (NM_001408431.1, NM_001408424.1, NM_001408421.1); c.785-1087G>T (NM_001408407.1, NM_001408402.1, NM_001408473.1 and 13 more transcripts); c.665-1087G>T (NM_001408443.1, NM_001408439.1, NM_001408425.1 and 12 more transcripts); and 42 more; short protein forms G1138*, G1091*, G1049*, G1067*, G1070*, G1111*, G1135*, G842*.
Identifiers: ClinVar variation 266367 (VCV000266367.22), dbSNP rs886040126, ClinGen allele CA10589755.

ClinVar aggregate classification (germline): Pathogenic. Review status: reviewed by expert panel (3 of 4 stars). 6 submissions from 6 submitters: Pathogenic (1). 5 of the submissions do not count toward it. Last evaluated 2016-10-18.

Conditions:
Hereditary cancer-predisposing syndrome. Also called: Hereditary Cancer Syndrome; Neoplastic Syndromes, Hereditary; Hereditary neoplastic syndrome; Tumor predisposition. Identifiers: Orphanet 140162, MedGen C0027672, MeSH D009386, MONDO:0015356.
Hereditary breast ovarian cancer syndrome. Also called: Hereditary breast and ovarian cancer syndrome (HBOC); Breast and ovarian cancer; Hereditary breast and ovarian cancer syndrome; Hereditary breast and ovarian cancer; BRCA1- and BRCA2-Associated Hereditary Breast and Ovarian Cancer; Hereditary breast and/or ovarian cancer syndrome. Identifiers: Orphanet 145, MedGen C0677776, MeSH D061325, MONDO:0003582. Disease mechanism: loss of function.
Breast-ovarian cancer, familial, susceptibility to, 1 (BROVCA1). Also called: BRCA1 Hereditary Breast and Ovarian Cancer; OVARIAN CANCER, SUSCEPTIBILITY TO. Identifiers: Orphanet 145, MedGen C2676676, MONDO:0011450, OMIM 604370. Disease mechanism: loss of function.

Allele frequency attached by ClinVar (database versions not stated): TOPMed below 0.00001; gnomAD 0.00001.
gnomAD v4.1: 1 of 1,613,760 alleles (0.000062%); highest among the groups gnomAD compares: African/African-American, 0.0013%; no homozygotes.

Submissions (6):

Evidence-based Network for the Interpretation of Germline Mutant Alleles (ENIGMA)
Classification: Pathogenic for Breast-ovarian cancer, familial, susceptibility to, 1. Last evaluated: 2016-10-18. Review status: reviewed by expert panel. Criteria: ENIGMA BRCA1/2 Classification Criteria (2015). Collection method: curation. Allele origin: germline.
Comment: Variant allele predicted to encode a truncated non-functional protein.

Ambry Genetics
Classification: Pathogenic for Hereditary cancer-predisposing syndrome. Last evaluated: 2024-09-17. Review status: criteria provided, single submitter. Criteria: Ambry Variant Classification Scheme 2023. Collection method: clinical testing. Allele origin: germline. Not counted in ClinVar's aggregate classification.
Comment: The p.G1138* pathogenic mutation (also known as c.3412G>T), located in coding exon 9 of the BRCA1 gene, results from a G to T substitution at nucleotide position 3412. This changes the amino acid from a glycine to a stop codon within coding exon 9. This alteration was identified in a large, worldwide study of BRCA1/2 mutation positive families (Rebbeck TR et al. Hum Mutat, 2018 05;39:593-620). Additionally, this alteration was identified in a cohort of Pakistani breast and/or ovarian cancer patients (Rashid MU et al. Hered Cancer Clin Pract, 2019 Sep;17:27). This variant is considered to be rare based on population cohorts in the Genome Aggregation Database (gnomAD). In addition to the clinical data presented in the literature, this alteration is expected to result in loss of function by premature protein truncation or nonsense-mediated mRNA decay. As such, this alteration is interpreted as a disease-causing mutation.

Labcorp Genetics (formerly Invitae), Labcorp
Classification: Pathogenic for Hereditary breast ovarian cancer syndrome. Last evaluated: 2023-11-09. Review status: criteria provided, single submitter. Criteria: Invitae Variant Classification Sherloc (09022015). Collection method: clinical testing. Allele origin: germline. Not counted in ClinVar's aggregate classification.
Comment: This sequence change creates a premature translational stop signal (p.Gly1138*) in the BRCA1 gene. It is expected to result in an absent or disrupted protein product. Loss-of-function variants in BRCA1 are known to be pathogenic (PMID: 20104584). This variant is not present in population databases (gnomAD no frequency). This premature translational stop signal has been observed in individual(s) with breast and/or ovarian cancer (PMID: 31528241). ClinVar contains an entry for this variant (Variation ID: 266367). For these reasons, this variant has been classified as Pathogenic.

GeneDx
Classification: Pathogenic. Last evaluated: 2023-07-27. Review status: criteria provided, single submitter. Criteria: GeneDx Variant Classification Process June 2021. Collection method: clinical testing. Allele origin: germline. Affected: yes. Not counted in ClinVar's aggregate classification.
Comment: Nonsense variant predicted to result in protein truncation or nonsense mediated decay in a gene for which loss of function is a known mechanism of disease; Observed in individuals with a personal or family history of hereditary breast and ovarian cancer syndrome (Rebbeck et al., 2018; Rashid et al., 2019); Truncating variants in this gene are considered pathogenic by a well-established clinical consortium and/or database; Not observed at significant frequency in large population cohorts (gnomAD); Also known as 3531G>T; This variant is associated with the following publications: (PMID: 29446198, 35142179, 32377563, 31528241, 31892343)

Color Diagnostics, LLC DBA Color Health
Classification: Pathogenic for Hereditary cancer-predisposing syndrome. Last evaluated: 2020-01-15. Review status: criteria provided, single submitter. Criteria: ACMG Guidelines, 2015. Collection method: clinical testing. Allele origin: germline. Not counted in ClinVar's aggregate classification.
Comment: This variant changes 1 nucleotide in exon 10 of the BRCA1 gene, creating a premature translation stop signal. This variant is expected to result in an absent or non-functional protein product. This variant has not been identified in the general population by the Genome Aggregation Database (gnomAD). Loss of BRCA1 function is a known mechanism of disease. Based on the available evidence, this variant is classified as Pathogenic.

Consortium of Investigators of Modifiers of BRCA1/2 (CIMBA), c/o University of Cambridge
Classification: Pathogenic for Breast-ovarian cancer, familial, susceptibility to, 1. Last evaluated: 2015-10-02. Review status: criteria provided, single submitter. Criteria: CIMBA Mutation Classification guidelines May 2016. Collection method: clinical testing. Allele origin: germline. Not counted in ClinVar's aggregate classification.

Literature cited by the submitters: PubMed 29446198 (cited by Ambry Genetics); PubMed 31528241 (cited by Ambry Genetics and Labcorp Genetics (formerly Invitae), Labcorp); PubMed 20104584 (cited by Labcorp Genetics (formerly Invitae), Labcorp).